The following is an entry in ClinVar:

ClinVar aggregate classification (germline): Pathogenic. Review status: criteria provided, multiple submitters, no conflicts (2 of 4 stars). 4 submissions from 4 submitters: Pathogenic (4). Last evaluated 2025-07-23.

Conditions:
Hereditary spastic paraplegia 49 (HSAN9). Also called: Spastic paraplegia 49, autosomal recessive; NEUROPATHY, HEREDITARY SENSORY AND AUTONOMIC, TYPE IX, WITH DEVELOPMENTAL DELAY; TECPR2-Related Hereditary Sensory and Autonomic Neuropathy with Intellectual Disability. Identifiers: Orphanet 320385, MedGen C5190860, MONDO:0014016, OMIM 615031.

Allele frequency attached by ClinVar (database versions not stated): ExAC 0.00001; gnomAD 0.00001; gnomAD exomes 0.00001 and 0.00008; TOPMed 0.00001.
gnomAD v4.1: 109 of 1,613,538 alleles (0.0068%); highest among the groups gnomAD compares: Non-Finnish European, 0.0091%; no homozygotes.

Submissions (4):

Myriad Genetics, Inc.
Classification: Pathogenic for Hereditary spastic paraplegia 49. Last evaluated: 2025-07-23. Review status: criteria provided, single submitter. Criteria: Myriad Autosomal Dominant, Autosomal Recessive and X-Linked Classification Criteria (2023). Collection method: clinical testing. Allele origin: unknown.
Comment: NM_014844.3(TECPR2):c.3072G>A(W1024*) is a nonsense variant classified as pathogenic in the context of spastic paraplegia, TECPR2-related. W1024* has been observed in a case with relevant disease (PMID: 34994087). Relevant functional assessments of this variant are not available in the literature. W1024* has been observed in referenced population frequency databases. In summary, NM_014844.3(TECPR2):c.3072G>A(W1024*) is a nonsense variant in a gene where loss of function is a known mechanism of disease and is predicted to disrupt protein function. Please note: this variant was assessed in the context of healthy population screening.

Natera, Inc.
Classification: Pathogenic for Autosomal recessive spastic paraplegia type 49. Last evaluated: 2025-04-16. Review status: criteria provided, single submitter. Criteria: Natera Variant Classification Schema (03/2026). Collection method: clinical testing. Allele origin: germline.
Comment: The c.3072G>A variant in TECPR2 is a nonsense variant predicted to introduce a stop codon at amino acid 1024. This variant is expected to result in nonsense mediated decay, truncation, or a dysfunctional protein product. This variant is rare in the general population with a frequency below the threshold expected for the associated phenotype(s). This variant has been observed in one or more individuals affected with the associated recessive disease, as either homozygous or compound heterozygous with a second variant (PMID: 34994087). Given the available evidence, this variant is classified as Pathogenic.

Labcorp Genetics (formerly Invitae), Labcorp
Classification: Pathogenic for Hereditary spastic paraplegia 49. Last evaluated: 2024-03-18. Review status: criteria provided, single submitter. Criteria: Invitae Variant Classification Sherloc (09022015). Collection method: clinical testing. Allele origin: germline.
Comment: This sequence change creates a premature translational stop signal (p.Trp1024*) in the TECPR2 gene. It is expected to result in an absent or disrupted protein product. Loss-of-function variants in TECPR2 are known to be pathogenic (PMID: 23176824, 25590979). This variant is present in population databases (rs765880201, gnomAD 0.003%). This variant has not been reported in the literature in individuals affected with TECPR2-related conditions. ClinVar contains an entry for this variant (Variation ID: 957432). For these reasons, this variant has been classified as Pathogenic.

Tgen's Center for Rare Childhood Disorders, Translational Genomics Research Institute (tgen)
Classification: Pathogenic for Hereditary spastic paraplegia 49. Last evaluated: 2021-04-26. Review status: criteria provided, single submitter. Criteria: ACMG Guidelines, 2015. Collection method: research. Allele origin: unknown. Inheritance: Autosomal recessive inheritance. Affected: yes. Observed: 3 variant alleles.
Comment: This is a stop_gain variant NM_014844.5:c.3072G>A, p.(Trp1024Ter) in exon 13/20 of TECPR2. In the general population the minor allele frequency is 0.00001195 (gnomAD). Biallelic truncating or missense variants have been described to cause "Spastic paraplegia 49, autosomal recessive" (Oz-Levi et al. Am J Hum Genet. 2012, PMID: 23176824). Taken together, we classify this variant as likely pathogenic based on the ACMG recommendations (Richards et al., 2015, PMID 25741868; criteria: PVS1 PM2).

Literature cited by the submitters: PubMed 34994087 (cited by Myriad Genetics, Inc. and Natera, Inc.); PubMed 23176824 (cited by Labcorp Genetics (formerly Invitae), Labcorp and Tgen's Center for Rare Childhood Disorders, Translational Genomics Research Institute (tgen)); PubMed 25590979 (cited by Labcorp Genetics (formerly Invitae), Labcorp).

NM_014844.5(TECPR2):c.3072G>A (p.Trp1024Ter)

Gene: TECPR2 (tectonin beta-propeller repeat containing 2; plus strand). Cytogenetic location: 14q32.31.
Variant type: single nucleotide variant.
Coding change: c.3072G>A on transcript NM_014844.5 (MANE Select); coding-DNA position 3072, G replaced by A.
Protein change: p.Trp1024Ter; replaces tryptophan 1024 with a stop codon.
Molecular consequence: nonsense.
Genome position (GRCh38, 1-based): chr14:102,445,944, G>A. VCF-style: chr14-102445944-G-A. GRCh37 (hg19) VCF-style: chr14-102912281-G-A.
Other names: c.3072G>A (NM_014844.4); c.3072G>A, p.Trp1024Ter (NM_001172631.3); short protein forms W1024*.
Identifiers: ClinVar variation 957432 (VCV000957432.14), dbSNP rs765880201, ClinGen allele CA7358120.